The following is an entry in ClinVar:

NM_000044.6(AR):c.2045A>G (p.Glu682Gly)

Gene: AR (androgen receptor; plus strand). Cytogenetic location: Xq12.
Variant type: single nucleotide variant.
Coding change: c.2045A>G on transcript NM_000044.6 (MANE Select); coding-DNA position 2045, A replaced by G.
Protein change: p.Glu682Gly; replaces glutamic acid 682 with glycine.
Molecular consequence: missense variant.
Genome position (GRCh38, 1-based): chrX:67,711,561, A>G. VCF-style: chrX-67711561-A-G. GRCh37 (hg19) VCF-style: chrX-66931403-A-G.
Other names: p.Glu682Gly; c.449A>G, p.Glu150Gly (NM_001011645.3); short protein forms E150G, E682G.
Identifiers: ClinVar variation 4077404 (VCV004077404.1).
Genomic context (GRCh38, chrX:67,711,561, plus strand): 5'-TGTCACACATTGAAGGCTATGAATGTCAGCCCATCTTTCTGAATGTCCTGGAAGCCATTG[A>G]GCCAGGTGTAGTGTGTGCTGGACACGACAACAACCAGCCCGACTCCTTTGCAGCCTTGCT-3'
Protein context (NP_000035.2, residues 672-692): PIFLNVLEAI[Glu682Gly]PGVVCAGHDN

ClinVar aggregate classification (germline): Likely pathogenic (1 of 4 stars; one submission).

Conditions:
Androgen resistance syndrome (AIS). Also called: ANDROGEN RECEPTOR DEFICIENCY; DIHYDROTESTOSTERONE RECEPTOR DEFICIENCY; TESTICULAR FEMINIZATION SYNDROME; Androgen insensitivity syndrome; Androgen insensitivity, complete; Androgen insensitivity syndrome due to coactivator deficiency. Identifiers: Orphanet 754, Orphanet 99429, MedGen C0039585, MONDO:0019154, OMIM 300068. Disease mechanism: loss of function.

Submission:

Center of Excellence of Human Genetics, National Research Center
Classification: Likely pathogenic for Androgen resistance syndrome. Review status: criteria provided, single submitter. Criteria: ACMG Guidelines, 2015. Collection method: clinical testing. Allele origin: germline. Affected: yes.
Comment: The c.2045A>G (p.Glu682Gly) variant is not found in population datasets, and the nucleotide A is highly conserved (PhyloP100: 9.3). Computational tools confirm that the variant is deleterious (REVEL: deleterious (0.95), MetaLR: Deleterious (0.99)). Although the variant is not reported before in the literature, the same codon with a different amino acid change has been reported before. So that the variant is classified as likely pathogenic.

Literature cited by the submitters: PubMed 8723113.